The following is an entry in ClinVar:

ClinVar aggregate classification (germline): Benign/Likely benign. Review status: criteria provided, multiple submitters, no conflicts (2 of 4 stars). 12 submissions from 12 submitters: Benign (5); Likely benign (4). 3 of the submissions do not count toward it. Last evaluated 2026-09-01.

Conditions:
Oto-palato-digital syndrome, type II (OPD2). Also called: Otopalatodigital Syndrome, Type II; FACIOPALATOOSSEOUS SYNDROME; OPD II SYNDROME; Otopalatodigital Syndrome Type 2 (FLNA-OPD2). Identifiers: Orphanet 669, Orphanet 90652, MedGen C1844696, MONDO:0010571, OMIM 304120.
Melnick-Needles syndrome (MNS). Also called: MELNICK-NEEDLES OSTEODYSPLASTY; OSTEODYSPLASTY OF MELNICK AND NEEDLES; Melnick-Needles Syndrome (FLNA-MNS). Identifiers: Orphanet 2484, MedGen C0025237, MONDO:0010650, OMIM 309350.
Frontometaphyseal dysplasia (FMD1). Identifiers: Orphanet 1826, MedGen C0265293, MONDO:0015942.
Heterotopia, periventricular, X-linked dominant (PVNH1). Also called: X-linked periventricular heterotopia; PERIVENTRICULAR NODULAR HETEROTOPIA 1; PERIVENTRICULAR NODULAR HETEROTOPIA 4; HETEROTOPIA, PERIVENTRICULAR, 1. Identifiers: Orphanet 2149, Orphanet 82004, MedGen C1848213, MONDO:0010233, OMIM 300049.
Connective tissue disorder. Also called: Connective tissue disease. Identifiers: MedGen C0009782, MONDO:0003900.
Familial thoracic aortic aneurysm and aortic dissection (TAAD). Also called: Thoracic aortic aneurysms and dissections. Identifiers: Orphanet 91387, MedGen C4707243, MONDO:0019625.

Submissions (12):

CeGaT Center for Human Genetics Tuebingen
Classification: Benign. Last evaluated: 2026-09-01. Review status: criteria provided, single submitter. Criteria: CeGaT Center For Human Genetics Tuebingen Variant Classification Criteria Version 2. Collection method: clinical testing. Allele origin: germline. Affected: yes. Observed: 12 variant alleles.
Comment: FLNA: BS1, BS2

Molecular Diagnostic Laboratory for Inherited Cardiovascular Disease, Montreal Heart Institute
Classification: Likely benign. Last evaluated: 2026-03-27. Review status: criteria provided, single submitter. Criteria: ACMG Guidelines, 2015. Collection method: clinical testing. Allele origin: germline. Affected: no.
Comment: BS1;BP6

Labcorp Genetics (formerly Invitae), Labcorp
Classification: Benign for Oto-palato-digital syndrome, type II; Heterotopia, periventricular, X-linked dominant; Frontometaphyseal dysplasia; Melnick-Needles syndrome. Last evaluated: 2026-01-21. Review status: criteria provided, single submitter. Criteria: Invitae Variant Classification Sherloc (09022015). Collection method: clinical testing. Allele origin: germline.

Mayo Clinic Laboratories, Mayo Clinic
Classification: Benign. Last evaluated: 2025-01-03. Review status: criteria provided, single submitter. Criteria: ACMG Guidelines, 2015. Collection method: clinical testing. Allele origin: germline. Observed: 15 variant alleles.
Comment: BS1, BS2, BP3

Blueprint Genetics
Classification: Likely benign. Last evaluated: 2024-11-27. Review status: criteria provided, single submitter. Criteria: ACMG Guidelines, 2015. Collection method: clinical testing. Allele origin: germline.

Women's Health and Genetics/Laboratory Corporation of America, LabCorp
Classification: Likely benign. Last evaluated: 2024-03-28. Review status: criteria provided, single submitter. Criteria: LabCorp Variant Classification Summary - May 2015. Collection method: clinical testing. Allele origin: germline.

GeneDx
Classification: Benign. Last evaluated: 2020-05-15. Review status: criteria provided, single submitter. Criteria: GeneDx Variant Classification Process June 2021. Collection method: clinical testing. Allele origin: germline. Affected: yes.
Comment: This variant is associated with the following publications: (PMID: 29334594)

Center for Human Genetics, Inc
Classification: Likely benign for Connective tissue disorder. Last evaluated: 2018-06-01. Review status: criteria provided, single submitter. Criteria: ACMG Guidelines, 2015. Collection method: clinical testing. Allele origin: germline. Affected: yes.

Ambry Genetics
Classification: Benign for Familial thoracic aortic aneurysm and aortic dissection. Last evaluated: 2017-03-16. Review status: criteria provided, single submitter. Criteria: Ambry Variant Classification Scheme 2023. Collection method: clinical testing. Allele origin: germline.

Genome Diagnostics Laboratory, Amsterdam University Medical Center
Classification: Likely benign. Review status: no assertion criteria provided. Collection method: clinical testing. Allele origin: germline. Affected: yes. Study: VKGL Data-share Consensus. Not counted in ClinVar's aggregate classification.

Genome Diagnostics Laboratory, University Medical Center Utrecht
Classification: Benign. Review status: no assertion criteria provided. Collection method: clinical testing. Allele origin: germline. Affected: yes. Study: VKGL Data-share Consensus. Not counted in ClinVar's aggregate classification.

Laboratory of Diagnostic Genome Analysis, Leiden University Medical Center (LUMC)
Classification: Likely benign. Review status: no assertion criteria provided. Collection method: clinical testing. Allele origin: germline. Affected: yes. Study: VKGL Data-share Consensus. Not counted in ClinVar's aggregate classification.

NM_001110556.2(FLNA):c.62_64dup (p.Val21dup)

Gene: FLNA (filamin A; minus strand). Cytogenetic location: Xq28.
Variant type: Duplication.
Coding change: c.62_64dup on transcript NM_001110556.2 (MANE Select); coding-DNA positions 62 to 64, 3 bases duplicated (TCG; older notation c.62_64dupTCG).
Protein change: p.Val21dup; duplicates valine 21.
Molecular consequence: inframe insertion.
Genome position (GRCh38, 1-based): chrX:154,371,182-154,371,184, CGA duplicated on the plus strand (TCG on the coding strand, the reverse complement: FLNA is on the minus strand); duplicating any 3 consecutive bases within chrX:154,371,182-154,371,186 gives the same sequence; the c. name uses the placement nearest the transcript's 3' end. VCF-style (leftmost placement, unchanged base first): chrX-154371181-T-TCGA. GRCh37 (hg19) VCF-style: chrX-153599549-T-TCGA.
Other names: p.Val21dup; c.62_64dupTCG (NM_001456.3, NM_001110556.2); c.62_64dup, p.Val21dup (NM_001456.4).
Identifiers: ClinVar variation 213457 (VCV000213457.47), dbSNP rs782721874, ClinGen allele CA321894.
Genomic context (GRCh38, chrX:154,371,181, plus strand): 5'-TTCCACGGCGCGTCCTCCGCCAGGTCCTTCTCGGTGGCCGGCATCTCGGCGTCCCGCGTG[T>TCGA]CGACGCCGCCGCCCGGAGCCGCGCCTGCTGCGCTCTGGCCCGCCCGAGAGTGGGAGCTAC-3'